The following is an entry in ClinVar:

ClinVar aggregate classification (germline): Uncertain significance. Review status: criteria provided, multiple submitters, no conflicts (2 of 4 stars). 2 submissions from 2 submitters: Uncertain significance (2). Last evaluated 2025-08-12.

gnomAD v4.1: 6 of 1,613,870 alleles (0.00037%); highest among the groups gnomAD compares: Non-Finnish European, 0.00051%; no homozygotes.

Submissions (2):

Labcorp Genetics (formerly Invitae), Labcorp
Classification: Uncertain significance. Last evaluated: 2025-08-12. Review status: criteria provided, single submitter. Criteria: Invitae Variant Classification Sherloc (09022015). Collection method: clinical testing. Allele origin: germline.
Comment: This sequence change replaces proline, which is neutral and non-polar, with leucine, which is neutral and non-polar, at codon 2263 of the FAT4 protein (p.Pro2263Leu). This variant is present in population databases (rs781586838, gnomAD 0.003%). This variant has not been reported in the literature in individuals affected with FAT4-related conditions. Invitae Evidence Modeling of protein sequence and biophysical properties (such as structural, functional, and spatial information, amino acid conservation, physicochemical variation, residue mobility, and thermodynamic stability) indicates that this missense variant is expected to disrupt FAT4 protein function with a positive predictive value of 80%. In summary, the available evidence is currently insufficient to determine the role of this variant in disease. Therefore, it has been classified as a Variant of Uncertain Significance.

Blueprint Genetics
Classification: Uncertain significance. Last evaluated: 2022-02-18. Review status: criteria provided, single submitter. Criteria: ACMG Guidelines, 2015. Collection method: clinical testing. Allele origin: germline.

NM_001291303.3(FAT4):c.6788C>T (p.Pro2263Leu)

Gene: FAT4 (FAT atypical cadherin 4; plus strand). Cytogenetic location: 4q28.1.
Variant type: single nucleotide variant.
Coding change: c.6788C>T on transcript NM_001291303.3 (MANE Select); coding-DNA position 6788, C replaced by T.
Protein change: p.Pro2263Leu; replaces proline 2263 with leucine.
Molecular consequence: missense variant.
Genome position (GRCh38, 1-based): chr4:125,415,751, C>T. VCF-style: chr4-125415751-C-T. GRCh37 (hg19) VCF-style: chr4-126336906-C-T.
Other names: c.6788C>T, p.Pro2263Leu (NM_001291285.3, NM_001438396.1, NM_001438397.1 and 1 more transcripts); c.1559C>T, p.Pro520Leu (NM_001437895.1); short protein forms P2263L, P520L.
Identifiers: ClinVar variation 4782286 (VCV004782286.2).
Genomic context (GRCh38, chr4:125,415,751, plus strand): 5'-CCACGGTCAGCATTGTTCTACTGGATATTAATGACTTTGTTCCTGTATTTGAGCTATCTC[C>T]ATATTCTGTAAATGTCCCTGAGAATTTAGGGACACTACCCAGAACAATTCTTCAGGTCAG-3'
Protein context (NP_001278232.1, residues 2253-2273): NDFVPVFELS[Pro2263Leu]YSVNVPENLG